The following is an entry in ClinVar:

ClinVar aggregate classification (germline): Pathogenic. Review status: criteria provided, multiple submitters, no conflicts (2 of 4 stars). 4 submissions from 4 submitters: Pathogenic (4). Last evaluated 2025-06-17.

Conditions:
Familial adenomatous polyposis 4 (FAP4). Also called: MSH3-related attenuated familial adenomatous polyposis. Identifiers: Orphanet 480536, MedGen C4310719, MONDO:0044300, OMIM 617100.
Hereditary cancer-predisposing syndrome. Also called: Hereditary Cancer Syndrome; Hereditary neoplastic syndrome; Tumor predisposition; Neoplastic Syndromes, Hereditary. Identifiers: Orphanet 140162, MedGen C0027672, MeSH D009386, MONDO:0015356.

Submissions (4):

St. Jude Molecular Pathology, St. Jude Children's Research Hospital
Classification: Pathogenic for Familial adenomatous polyposis 4. Last evaluated: 2025-06-17. Review status: criteria provided, single submitter. Criteria: St. Jude Assertion Criteria 2020. Collection method: clinical testing. Allele origin: germline.
Comment: The MSH3 c.2018dup p.(Leu673PhefsTer5) change duplicates one nucleotide to cause a frameshift and the creation of a premature stop codon. This change is predicted to cause protein truncation or absence of protein due to nonsense-mediated decay. To our knowledge, this variant has not been reported in individuals with MSH3-associated polyposis syndrome. This variant is absent in gnomAD v2.1.1. In summary, this variant meets criteria to be classified as pathogenic.

Ambry Genetics
Classification: Pathogenic for Hereditary cancer-predisposing syndrome. Last evaluated: 2024-12-24. Review status: criteria provided, single submitter. Criteria: Ambry Variant Classification Scheme 2023. Collection method: clinical testing. Allele origin: germline.
Comment: The c.2018dupT pathogenic mutation, located in coding exon 14 of the MSH3 gene, results from a duplication of T at nucleotide position 2018, causing a translational frameshift with a predicted alternate stop codon (p.L673Ffs*5). This variant is considered to be rare based on population cohorts in the Genome Aggregation Database (gnomAD). This alteration is expected to result in loss of function by premature protein truncation or nonsense-mediated mRNA decay. As such, this alteration is interpreted as a disease-causing mutation.

Myriad Genetics, Inc.
Classification: Pathogenic for Familial adenomatous polyposis 4. Last evaluated: 2023-08-30. Review status: criteria provided, single submitter. Criteria: Myriad Autosomal Dominant, Autosomal Recessive and X-Linked Classification Criteria (2023). Collection method: clinical testing. Allele origin: unknown.
Comment: This variant is considered pathogenic. This variant creates a frameshift predicted to result in premature protein truncation.

Labcorp Genetics (formerly Invitae), Labcorp
Classification: Pathogenic. Last evaluated: 2021-03-08. Review status: criteria provided, single submitter. Criteria: Invitae Variant Classification Sherloc (09022015). Collection method: clinical testing. Allele origin: germline.
Comment: For these reasons, this variant has been classified as Pathogenic. This variant has not been reported in the literature in individuals with MSH3-related conditions. This variant is not present in population databases (ExAC no frequency). This sequence change creates a premature translational stop signal (p.Leu673Phefs*5) in the MSH3 gene. It is expected to result in an absent or disrupted protein product. Loss-of-function variants in MSH3 are known to be pathogenic (PMID: 27476653).

Literature cited by the submitters: PubMed 27476653 (cited by Labcorp Genetics (formerly Invitae), Labcorp).

NM_002439.5(MSH3):c.2018dup (p.Leu673fs)

Gene: MSH3 (mutS homolog 3; plus strand). Cytogenetic location: 5q14.1.
Variant type: Duplication.
Coding change: c.2018dup on transcript NM_002439.5 (MANE Select); coding-DNA position 2018, one base duplicated (T; older notation c.2018dupT).
Protein change: p.Leu673fs; shifts the reading frame from leucine 673.
Molecular consequence: frameshift variant.
Genome position (GRCh38, 1-based): chr5:80,768,054, T duplicated; the last of 4 consecutive T bases (chr5:80,768,051-80,768,054); duplicating any one gives the same sequence. VCF-style (leftmost placement, unchanged base first): chr5-80768050-A-AT. GRCh37 (hg19) VCF-style: chr5-80063869-A-AT.
Other names: c.2018dupT (NM_002439.3); short protein forms L673fs.
Identifiers: ClinVar variation 1399762 (VCV001399762.9), dbSNP rs1744152835, ClinGen allele CA1558520717.